The following is an entry in ClinVar:

ClinVar aggregate classification (germline): Uncertain significance. Review status: criteria provided, multiple submitters, no conflicts (2 of 4 stars). 2 submissions from 2 submitters: Uncertain significance (2). Last evaluated 2026-09-26.

Conditions:
SEMA3E-related disorder. Also called: SEMA3E-related condition.
CHARGE syndrome (CHARGE). Also called: Hittner Hirsch Kreh syndrome; CHARGE ASSOCIATION--COLOBOMA, HEART ANOMALY, CHOANAL ATRESIA, RETARDATION, GENITAL AND EAR ANOMALIES; Coloboma, heart anomaly, choanal atresia, retardation, genital and ear anomalies; CHARGE association; Hall-Hittner syndrome. Identifiers: Orphanet 138, MedGen C0265354, MONDO:0008965.

gnomAD v4.1: 3 of 1,613,076 alleles (0.00019%); highest among the groups gnomAD compares: Admixed American, 0.0017%; no homozygotes.

Submissions (2):

PreventionGenetics, part of Exact Sciences
Classification: Uncertain significance for SEMA3E-related condition. Last evaluated: 2026-09-26. Review status: criteria provided, single submitter. Criteria: ACMG Guidelines, 2015. Collection method: clinical testing. Allele origin: germline.
Comment: The SEMA3E c.886G>T variant is predicted to result in the amino acid substitution p.Val296Leu. To our knowledge, this variant has not been reported in the literature. This variant is reported in 0.0062% of alleles in individuals of African descent in gnomAD. At this time, the clinical significance of this variant is uncertain due to the absence of conclusive functional and genetic evidence.

Labcorp Genetics (formerly Invitae), Labcorp
Classification: Uncertain significance for CHARGE syndrome. Last evaluated: 2024-05-31. Review status: criteria provided, single submitter. Criteria: Invitae Variant Classification Sherloc (09022015). Collection method: clinical testing. Allele origin: germline.
Comment: This sequence change replaces valine, which is neutral and non-polar, with leucine, which is neutral and non-polar, at codon 296 of the SEMA3E protein (p.Val296Leu). This variant is present in population databases (rs140205746, gnomAD 0.003%). This variant has not been reported in the literature in individuals affected with SEMA3E-related conditions. Advanced modeling of protein sequence and biophysical properties (such as structural, functional, and spatial information, amino acid conservation, physicochemical variation, residue mobility, and thermodynamic stability) performed at Invitae indicates that this missense variant is not expected to disrupt SEMA3E protein function with a negative predictive value of 80%. In summary, the available evidence is currently insufficient to determine the role of this variant in disease. Therefore, it has been classified as a Variant of Uncertain Significance.

NM_012431.3(SEMA3E):c.886G>T (p.Val296Leu)

Gene: SEMA3E (semaphorin 3E; minus strand). Cytogenetic location: 7q21.11.
Variant type: single nucleotide variant.
Coding change: c.886G>T on transcript NM_012431.3 (MANE Select); coding-DNA position 886, G replaced by T.
Protein change: p.Val296Leu; replaces valine 296 with leucine.
Molecular consequence: missense variant.
Genome position (GRCh38, 1-based): chr7:83,405,987, C>A on the plus strand (G>T on the coding strand, the complement: SEMA3E is on the minus strand). VCF-style: chr7-83405987-C-A. GRCh37 (hg19) VCF-style: chr7-83035303-C-A.
Other names: c.706G>T, p.Val236Leu (NM_001178129.2); c.886G>T (NM_012431.2); short protein forms V296L, V236L.
Identifiers: ClinVar variation 3703827 (VCV003703827.3).